The following is an entry in ClinVar:

NM_017807.4(OSGEP):c.115+9G>C

Genes: OSGEP (O-sialoglycoprotein endopeptidase; minus strand), LOC107372315 (OSGEP/APEX1 bi-directional promoter region; plus strand). Cytogenetic location: 14q11.2.
Variant type: single nucleotide variant.
Coding change: c.115+9G>C on transcript NM_017807.4 (MANE Select); 9 bases into the intron after coding-DNA position 115, G replaced by C.
Molecular consequence: intron variant.
Genome position (GRCh38, 1-based): chr14:20,454,560, C>G on the plus strand (G>C on the coding strand, the complement: OSGEP is on the minus strand). VCF-style: chr14-20454560-C-G. GRCh37 (hg19) VCF-style: chr14-20922719-C-G.
Identifiers: ClinVar variation 3050382 (VCV003050382.2), dbSNP rs1396920460, ClinGen allele CA2740097709.

ClinVar aggregate classification (germline): Likely benign (0 of 4 stars; one submission).

Conditions:
OSGEP-related disorder. Also called: OSGEP-related condition.

Submission:

PreventionGenetics, part of Exact Sciences
Classification: Likely benign for OSGEP-related condition. Last evaluated: 2022-09-06. Review status: no assertion criteria provided. Collection method: clinical testing. Allele origin: germline.
Comment: This variant is classified as likely benign based on ACMG/AMP sequence variant interpretation guidelines (Richards et al. 2015 PMID: 25741868, with internal and published modifications).